The following is an entry in ClinVar:

ClinVar aggregate classification (germline): Pathogenic (1 of 4 stars; one submission).

Submission:

Labcorp Genetics (formerly Invitae), Labcorp
Classification: Pathogenic. Last evaluated: 2022-07-05. Review status: criteria provided, single submitter. Criteria: Invitae Variant Classification Sherloc (09022015). Collection method: clinical testing. Allele origin: germline.
Comment: This sequence change creates a premature translational stop signal (p.Ile650Asnfs*8) in the USP53 gene. It is expected to result in an absent or disrupted protein product. Loss-of-function variants in USP53 are known to be pathogenic (PMID: 32124521, 32759993). This variant is present in population databases (no rsID available, gnomAD 0.01%). This variant has not been reported in the literature in individuals affected with USP53-related conditions. For these reasons, this variant has been classified as Pathogenic.

Literature cited by the submitters: PubMed 32124521; PubMed 32759993.

NM_001371395.1(USP53):c.1948dup (p.Ile650fs)

Gene: USP53 (ubiquitin specific peptidase 53; plus strand). Cytogenetic location: 4q26.
Variant type: Duplication.
Coding change: c.1948dup on transcript NM_001371395.1 (MANE Select); coding-DNA position 1948, one base duplicated (A; older notation c.1948dupA).
Protein change: p.Ile650fs; shifts the reading frame from isoleucine 650.
Molecular consequence: frameshift variant.
Genome position (GRCh38, 1-based): chr4:119,271,808, A duplicated; the last of 3 consecutive A bases (chr4:119,271,806-119,271,808); duplicating any one gives the same sequence. VCF-style (leftmost placement, unchanged base first): chr4-119271805-G-GA. GRCh37 (hg19) VCF-style: chr4-120192960-G-GA.
Other names: c.1795dup, p.Ile599fs (NM_001371396.1, NM_001389661.1); c.1948dup, p.Ile650fs (NM_001371397.1, NM_001371398.1, NM_001371399.1 and 3 more transcripts); c.1798dup, p.Ile600fs (NM_001389660.1); c.1600dup, p.Ile534fs (NM_001389662.1, NM_001389663.1, NM_001389664.1 and 1 more transcripts); c.1447dup, p.Ile483fs (NM_001389665.1, NM_001389667.1); short protein forms I650fs, I599fs, I534fs, I600fs, I483fs.
Identifiers: ClinVar variation 2066808 (VCV002066808.1), dbSNP rs1431655079, ClinGen allele CA554523872.